The following is an entry in ClinVar:

ClinVar aggregate classification (germline): Benign/Likely benign. Review status: criteria provided, multiple submitters, no conflicts (2 of 4 stars). 4 submissions from 4 submitters: Benign (1); Likely benign (3). Last evaluated 2025-02-25.

Conditions:
Familial cancer of breast. Also called: BREAST CANCER, FAMILIAL; Hereditary breast cancer; hereditary breast carcinoma. Identifiers: Orphanet 227535, MedGen C0346153, MONDO:0016419, OMIM 114480. Disease mechanism: loss of function.
Hereditary cancer-predisposing syndrome. Also called: Tumor predisposition; Hereditary neoplastic syndrome; Neoplastic Syndromes, Hereditary; Hereditary Cancer Syndrome. Identifiers: Orphanet 140162, MedGen C0027672, MeSH D009386, MONDO:0015356.
Ataxia-telangiectasia syndrome (AT). Also called: LOUIS-BAR SYNDROME; Ataxia-telangiectasia; Cerebello-oculocutaneous telangiectasia; Immunodeficiency with ataxia telangiectasia; Ataxia telangiectasia (A-T); Ataxia-telangiectasia, complementation group D. Identifiers: Orphanet 100, MedGen C0004135, MONDO:0008840, OMIM 208900.

Allele frequency attached by ClinVar (database versions not stated): TOPMed 0.00001.
gnomAD v4.1: 1 of 1,613,764 alleles (0.000062%); no homozygotes.

Submissions (4):

Labcorp Genetics (formerly Invitae), Labcorp
Classification: Likely benign for Ataxia-telangiectasia syndrome. Last evaluated: 2025-02-25. Review status: criteria provided, single submitter. Criteria: Invitae Variant Classification Sherloc (09022015). Collection method: clinical testing. Allele origin: germline.

Myriad Genetics, Inc.
Classification: Benign for Familial cancer of breast. Last evaluated: 2024-04-22. Review status: criteria provided, single submitter. Criteria: Myriad Autosomal Dominant, Autosomal Recessive and X-Linked Classification Criteria (2023). Collection method: clinical testing. Allele origin: unknown.
Comment: This variant is considered benign. This variant is a silent/synonymous amino acid change and it is not expected to impact splicing.

Sema4
Classification: Likely benign for Hereditary cancer-predisposing syndrome. Last evaluated: 2021-10-25. Review status: criteria provided, single submitter. Criteria: Sema4 Curation Guidelines. Collection method: curation. Allele origin: germline.

Ambry Genetics
Classification: Likely benign for Hereditary cancer-predisposing syndrome. Last evaluated: 2019-04-02. Review status: criteria provided, single submitter. Criteria: Ambry Variant Classification Scheme 2023. Collection method: clinical testing. Allele origin: germline.

NM_000051.4(ATM):c.684T>C (p.Gly228=)

Gene: ATM (ATM serine/threonine kinase; plus strand). Cytogenetic location: 11q22.3.
Variant type: single nucleotide variant.
Coding change: c.684T>C on transcript NM_000051.4 (MANE Select); coding-DNA position 684, T replaced by C.
Protein change: p.Gly228=; no amino-acid change (glycine 228 retained).
Molecular consequence: synonymous variant.
Genome position (GRCh38, 1-based): chr11:108,244,809, T>C. VCF-style: chr11-108244809-T-C. GRCh37 (hg19) VCF-style: chr11-108115536-T-C.
Other names: c.684T>C, p.Gly228= (NM_001351834.2).
Identifiers: ClinVar variation 703701 (VCV000703701.18), dbSNP rs1591503368, ClinGen allele CA476744611.